The following is an entry in ClinVar:

NM_025114.4(CEP290):c.7104A>G (p.Gln2368=)

Gene: CEP290 (centrosomal protein 290; minus strand). Cytogenetic location: 12q21.32.
Variant type: single nucleotide variant.
Coding change: c.7104A>G on transcript NM_025114.4 (MANE Select); coding-DNA position 7104, A replaced by G.
Protein change: p.Gln2368=; no amino-acid change (glutamine 2368 retained).
Molecular consequence: synonymous variant.
Genome position (GRCh38, 1-based): chr12:88,053,677, T>C on the plus strand (A>G on the coding strand, the complement: CEP290 is on the minus strand). VCF-style: chr12-88053677-T-C. GRCh37 (hg19) VCF-style: chr12-88447454-T-C.
Other names: c.7104A>G (NM_025114.3).
Identifiers: ClinVar variation 1638322 (VCV001638322.10), dbSNP rs1176691356, ClinGen allele CA481053596.

ClinVar aggregate classification (germline): Likely benign. Review status: criteria provided, single submitter (1 of 4 stars). 2 submissions from 2 submitters: Likely benign (1). 1 of the submissions does not count toward it. Last evaluated 2024-03-01.

Conditions:
CEP290-related disorder. Also called: CEP290-related condition; CEP290-related disorders. Identifiers: MedGen CN239314.
Joubert syndrome. Also called: CEREBELLOPARENCHYMAL DISORDER IV; JOUBERT-BOLTSHAUSER SYNDROME; Familial aplasia of the vermis. Identifiers: Orphanet 475, MedGen C5979921, MONDO:0018772.
Nephronophthisis. Also called: Juvenile Nephronophthisis. Identifiers: Orphanet 655, MedGen C0687120, MONDO:0019005, HP:0000090.
Meckel-Gruber syndrome. Also called: DYSENCEPHALIA SPLANCHNOCYSTICA; GRUBER SYNDROME; Dysencephalia splachnocystica. Identifiers: Orphanet 564, MedGen C0265215, MONDO:0018921.

Allele frequency attached by ClinVar (database versions not stated): gnomAD 0.00001; gnomAD exomes 0.00001; TOPMed 0.00001.
gnomAD v4.1: 13 of 1,545,450 alleles (0.00084%); highest among the groups gnomAD compares: Non-Finnish European, 0.0011%; no homozygotes.

Submissions (2):

Labcorp Genetics (formerly Invitae), Labcorp
Classification: Likely benign for Joubert syndrome; Meckel-Gruber syndrome; Nephronophthisis. Last evaluated: 2024-03-01. Review status: criteria provided, single submitter. Criteria: Invitae Variant Classification Sherloc (09022015). Collection method: clinical testing. Allele origin: germline.

PreventionGenetics, part of Exact Sciences
Classification: Likely benign for CEP290-related condition. Last evaluated: 2023-05-16. Review status: no assertion criteria provided. Collection method: clinical testing. Allele origin: germline. Not counted in ClinVar's aggregate classification.
Comment: This variant is classified as likely benign based on ACMG/AMP sequence variant interpretation guidelines (Richards et al. 2015 PMID: 25741868, with internal and published modifications).